The following is an entry in ClinVar:

NM_001384474.1(LOXHD1):c.6155del (p.Asn2052fs)

Gene: LOXHD1 (lipoxygenase homology PLAT domains 1; minus strand). Cytogenetic location: 18q21.1.
Variant type: Deletion.
Coding change: c.6155del on transcript NM_001384474.1 (MANE Select); coding-DNA position 6155, one base deleted (A; older notation c.6155delA).
Protein change: p.Asn2052fs; shifts the reading frame from asparagine 2052.
Molecular consequence: frameshift variant.
Genome position (GRCh38, 1-based): chr18:46,485,046, T deleted on the plus strand (A on the coding strand, the reverse complement: LOXHD1 is on the minus strand); the first of 4 consecutive T bases (chr18:46,485,046-46,485,049); deleting any one gives the same sequence. VCF-style (leftmost placement, unchanged base first): chr18-46485045-AT-A. GRCh37 (hg19) VCF-style: chr18-44065008-AT-A.
Other names: c.2822del, p.Asn941fs (NM_001145472.3); c.872del, p.Asn291fs (NM_001145473.3, NM_001173129.2); c.2534del, p.Asn845fs (NM_001308013.2); c.5969del, p.Asn1990fs (NM_144612.7); short protein forms N2052fs, N291fs, N845fs, N941fs, N1990fs.
Identifiers: ClinVar variation 1375387 (VCV001375387.6), dbSNP rs2143555720, ClinGen allele CA2573155269.

ClinVar aggregate classification (germline): Pathogenic (1 of 4 stars; one submission).

Submission:

Labcorp Genetics (formerly Invitae), Labcorp
Classification: Pathogenic. Last evaluated: 2022-03-09. Review status: criteria provided, single submitter. Criteria: Invitae Variant Classification Sherloc (09022015). Collection method: clinical testing. Allele origin: germline.
Comment: This variant is not present in population databases (gnomAD no frequency). This sequence change creates a premature translational stop signal (p.Asn1990Ilefs*109) in the LOXHD1 gene. While this is not anticipated to result in nonsense mediated decay, it is expected to disrupt the last 222 amino acid(s) of the LOXHD1 protein. This variant has not been reported in the literature in individuals affected with LOXHD1-related conditions. For these reasons, this variant has been classified as Pathogenic. This variant disrupts a region of the LOXHD1 protein in which other variant(s) (p.Gly2118Glu) have been determined to be pathogenic (PMID: 29676012). This suggests that this is a clinically significant region of the protein, and that variants that disrupt it are likely to be disease-causing.

Literature cited by the submitters: PubMed 29676012.